The following is an entry in ClinVar:

ClinVar aggregate classification (germline): Uncertain significance (1 of 4 stars; one submission).

Conditions:
Duchenne muscular dystrophy (DMD). Also called: MUSCULAR DYSTROPHY, PSEUDOHYPERTROPHIC PROGRESSIVE, DUCHENNE TYPE; Duchenne Muscular Dystrophy (DMD). Identifiers: Orphanet 98896, MedGen C0013264, MONDO:0010679, OMIM 310200.

Allele frequency attached by ClinVar (database versions not stated): gnomAD exomes below 0.00001.
gnomAD v4.1: 1 of 1,210,771 alleles (0.000083%); highest among the groups gnomAD compares: Non-Finnish European, 0.00011%; no homozygotes.

Submission:

Labcorp Genetics (formerly Invitae), Labcorp
Classification: Uncertain significance for Duchenne muscular dystrophy. Last evaluated: 2023-01-13. Review status: criteria provided, single submitter. Criteria: Invitae Variant Classification Sherloc (09022015). Collection method: clinical testing. Allele origin: germline.
Comment: In summary, the available evidence is currently insufficient to determine the role of this variant in disease. Therefore, it has been classified as a Variant of Uncertain Significance. Advanced modeling of protein sequence and biophysical properties (such as structural, functional, and spatial information, amino acid conservation, physicochemical variation, residue mobility, and thermodynamic stability) performed at Invitae indicates that this missense variant is not expected to disrupt DMD protein function. This variant has not been reported in the literature in individuals affected with DMD-related conditions. This variant is not present in population databases (gnomAD no frequency). This sequence change replaces aspartic acid, which is acidic and polar, with glutamic acid, which is acidic and polar, at codon 2484 of the DMD protein (p.Asp2484Glu).

NM_004006.3(DMD):c.7452C>A (p.Asp2484Glu)

Gene: DMD (dystrophin; minus strand). Cytogenetic location: Xp21.1.
Variant type: single nucleotide variant.
Coding change: c.7452C>A on transcript NM_004006.3 (MANE Select); coding-DNA position 7452, C replaced by A.
Protein change: p.Asp2484Glu; replaces aspartic acid 2484 with glutamic acid.
Molecular consequence: missense variant.
Genome position (GRCh38, 1-based): chrX:31,774,050, G>T on the plus strand (C>A on the coding strand, the complement: DMD is on the minus strand). VCF-style: chrX-31774050-G-T. GRCh37 (hg19) VCF-style: chrX-31792167-G-T.
Other names: c.7428C>A, p.Asp2476Glu (NM_000109.4); c.7440C>A, p.Asp2480Glu (NM_004009.3); c.7083C>A, p.Asp2361Glu (NM_004010.3); c.3429C>A, p.Asp1143Glu (NM_004011.4); c.3420C>A, p.Asp1140Glu (NM_004012.4); c.72C>A, p.Asp24Glu (NM_004013.3, NM_004020.4, NM_004021.3 and 2 more transcripts); short protein forms D1140E, D2361E, D2480E, D1143E, D2476E, D2484E, D24E.
Identifiers: ClinVar variation 2778221 (VCV002778221.3), dbSNP rs2090509080, ClinGen allele CA412658902.
Genomic context (GRCh38, chrX:31,774,050, plus strand): 5'-CTCAAGGTCACCCACCATCACCCTCTGTGATTTTATAACTTGATCAAGCAGAGAAAGCCA[G>T]TCGGTAAGTTCTGTCCAAGCCCGGTTGAAATCTGCCAGAGCAGGTACCTCCAACATCAAG-3'
Protein context (NP_003997.2, residues 2474-2494): DFNRAWTELT[Asp2484Glu]WLSLLDQVIK